The following is an entry in ClinVar:

ClinVar aggregate classification (germline): Uncertain significance (1 of 4 stars; one submission).

Allele frequency attached by ClinVar (database versions not stated): gnomAD exomes below 0.00001.
gnomAD v4.1: 8 of 1,614,078 alleles (0.0005%); highest among the groups gnomAD compares: Non-Finnish European, 0.00068%; no homozygotes.

Submission:

Labcorp Genetics (formerly Invitae), Labcorp
Classification: Uncertain significance. Last evaluated: 2022-05-07. Review status: criteria provided, single submitter. Criteria: Invitae Variant Classification Sherloc (09022015). Collection method: clinical testing. Allele origin: germline.
Comment: In summary, the available evidence is currently insufficient to determine the role of this variant in disease. Therefore, it has been classified as a Variant of Uncertain Significance. This variant has not been reported in the literature in individuals affected with LIPG-related conditions. Algorithms developed to predict the effect of missense changes on protein structure and function are either unavailable or do not agree on the potential impact of this missense change (SIFT: "Tolerated"; PolyPhen-2: "Possibly Damaging"; Align-GVGD: "Class C0"). This sequence change replaces threonine, which is neutral and polar, with isoleucine, which is neutral and non-polar, at codon 415 of the LIPG protein (p.Thr415Ile). This variant is present in population databases (no rsID available, gnomAD 0.0009%).

NM_006033.4(LIPG):c.1244C>T (p.Thr415Ile)

Gene: LIPG (lipase G, endothelial type; plus strand). Cytogenetic location: 18q21.1.
Variant type: single nucleotide variant.
Coding change: c.1244C>T on transcript NM_006033.4 (MANE Select); coding-DNA position 1244, C replaced by T.
Protein change: p.Thr415Ile; replaces threonine 415 with isoleucine.
Molecular consequence: missense variant.
Genome position (GRCh38, 1-based): chr18:49,583,642, C>T. VCF-style: chr18-49583642-C-T. GRCh37 (hg19) VCF-style: chr18-47110012-C-T.
Other names: c.1022C>T, p.Thr341Ile (NM_001308006.2); short protein forms T341I, T415I.
Identifiers: ClinVar variation 1933422 (VCV001933422.5), dbSNP rs957601708, ClinGen allele CA299941550.
Genomic context (GRCh38, chr18:49,583,642, plus strand): 5'-CCAACACCTTCCTGGTCTACACCGAGGAGGACTTGGGAGACCTCTTGAAGATCCAGCTCA[C>T]CTGGGAGGGGGCCTCTCAGTCTTGGTACAACCTGTGGAAGGAGTTTCGCAGCTACCTGTC-3'
Protein context (NP_006024.1, residues 405-425): DLGDLLKIQL[Thr415Ile]WEGASQSWYN